The following is an entry in ClinVar:

NC_000007.14:g.(?_128830618)_(128858543_?)del

Genes: FLNC-AS1 (FLNC antisense RNA 1; minus strand), FLNC (filamin C; plus strand), LOC129999273 (ATAC-STARR-seq lymphoblastoid silent region 18616; plus strand). Cytogenetic location: 7q32.1.
Variant type: Deletion.
Identifiers: ClinVar variation 584412 (VCV000584412.1).

ClinVar aggregate classification (germline): Pathogenic (1 of 4 stars; one submission).

Conditions:
Distal myopathy with posterior leg and anterior hand involvement. Also called: WILLIAMS DISTAL MYOPATHY. Identifiers: Orphanet 63273, MedGen C3279722, MONDO:0013550, OMIM 614065.
Myofibrillar myopathy 5. Also called: Filaminopathy (type); FILAMINOPATHY, AUTOSOMAL DOMINANT. Identifiers: Orphanet 171445, MedGen C1836050, MONDO:0012289, OMIM 609524.
Hypertrophic cardiomyopathy 26. Also called: Cardiomyopathy, familial hypertrophic, 26. Identifiers: Orphanet 75249, MedGen C4310749, MONDO:0014883, OMIM 617047.
Dilated Cardiomyopathy, Dominant.

Submission:

Labcorp Genetics (formerly Invitae), Labcorp
Classification: Pathogenic for Myopathy, distal, 4; Dilated Cardiomyopathy, Dominant; Myofibrillar myopathy, filamin C-related; Cardiomyopathy, familial hypertrophic, 26. Last evaluated: 2018-06-18. Review status: criteria provided, single submitter. Criteria: Invitae Variant Classification Sherloc (09022015). Collection method: clinical testing. Allele origin: germline.
Comment: A gross deletion of the genomic region encompassing the full coding sequence of the FLNC gene has been identified. The boundaries of this event are unknown as the deletion extends beyond the assayed region for this gene and therefore may encompass additional genes. This variant has not been reported in the literature in individuals with FLNC-related disease. Loss-of-function variants in FLNC are known to be pathogenic (PMID: 27908349). For these reasons, this variant has been classified as Pathogenic.